The following is an entry in ClinVar:

ClinVar aggregate classification (germline): Pathogenic (1 of 4 stars; one submission).

Submission:

Labcorp Genetics (formerly Invitae), Labcorp
Classification: Pathogenic. Last evaluated: 2025-05-23. Review status: criteria provided, single submitter. Criteria: Invitae Variant Classification Sherloc (09022015). Collection method: clinical testing. Allele origin: germline.
Comment: This sequence change creates a premature translational stop signal (p.Glu128Glyfs*15) in the YARS2 gene. It is expected to result in an absent or disrupted protein product. Loss-of-function variants in YARS2 are known to be pathogenic (PMID: 20598274, 24344687, 25638461). This variant is not present in population databases (gnomAD no frequency). This variant has not been reported in the literature in individuals affected with YARS2-related conditions. For these reasons, this variant has been classified as Pathogenic.

Literature cited by the submitters: PubMed 20598274; PubMed 24344687; PubMed 25638461.

NM_001040436.3(YARS2):c.383_395del (p.Glu128fs)

Gene: YARS2 (tyrosyl-tRNA synthetase 2; minus strand). Cytogenetic location: 12p11.21.
Variant type: Deletion.
Coding change: c.383_395del on transcript NM_001040436.3 (MANE Select); coding-DNA positions 383 to 395, 13 bases deleted (AACGCGAGGCGCT).
Protein change: p.Glu128fs; shifts the reading frame from glutamic acid 128.
Molecular consequence: frameshift variant.
Genome position (GRCh38, 1-based): chr12:32,755,480-32,755,492, AGCGCCTCGCGTT deleted on the plus strand (AACGCGAGGCGCT on the coding strand, the reverse complement: YARS2 is on the minus strand). VCF-style (leftmost placement, unchanged base first): chr12-32755479-CAGCGCCTCGCGTT-C. GRCh37 (hg19) VCF-style: chr12-32908413-CAGCGCCTCGCGTT-C.
Other names: short protein forms E128fs.
Identifiers: ClinVar variation 4711095 (VCV004711095.1).